The following is an entry in ClinVar:

NM_206933.4(USH2A):c.1153_1157del (p.Ile385fs)

Gene: USH2A (usherin; minus strand). Cytogenetic location: 1q41.
Variant type: Deletion.
Coding change: c.1153_1157del on transcript NM_206933.4 (MANE Select); coding-DNA positions 1153 to 1157, 5 bases deleted (ATTAT; older notation c.1153_1157delATTAT).
Protein change: p.Ile385fs; shifts the reading frame from isoleucine 385.
Molecular consequence: frameshift variant.
Genome position (GRCh38, 1-based): chr1:216,324,339-216,324,343, ATAAT deleted on the plus strand (ATTAT on the coding strand, the reverse complement: USH2A is on the minus strand); deleting any 5 consecutive bases within chr1:216,324,339-216,324,347 gives the same sequence; the c. name uses the placement nearest the transcript's 3' end. VCF-style (leftmost placement, unchanged base first): chr1-216324338-GATAAT-G. GRCh37 (hg19) VCF-style: chr1-216497680-GATAAT-G.
Other names: c.1153_1157del, p.Ile385fs (NM_007123.6); short protein forms I385fs.
Identifiers: ClinVar variation 1443539 (VCV001443539.7), dbSNP rs2102654383, ClinGen allele CA2573132655.

ClinVar aggregate classification (germline): Pathogenic. Review status: criteria provided, multiple submitters, no conflicts (2 of 4 stars). 2 submissions from 2 submitters: Pathogenic (2). Last evaluated 2025-09-29.

Conditions:
USH2A-related disorder. Also called: USH2A-related disorders; USH2A-related condition. Identifiers: MedGen CN239332.

Submissions (2):

Myriad Genetics, Inc.
Classification: Pathogenic for USH2A-related disorder. Last evaluated: 2025-09-29. Review status: criteria provided, single submitter. Criteria: Myriad Autosomal Dominant, Autosomal Recessive and X-Linked Classification Criteria (2023). Collection method: clinical testing. Allele origin: unknown.
Comment: NM_206933.2(USH2A):c.1153_1157del5(I385Hfs*5) is expected to be pathogenic in the context of USH2A-related disorders. This variant is predicted to lead to an abnormal or absent protein product due to the creation of a premature termination codon in USH2A, a gene where loss-of-function variants are known to be pathogenic. Please note: this variant was assessed in the context of healthy population screening.

Labcorp Genetics (formerly Invitae), Labcorp
Classification: Pathogenic. Last evaluated: 2022-08-23. Review status: criteria provided, single submitter. Criteria: Invitae Variant Classification Sherloc (09022015). Collection method: clinical testing. Allele origin: germline.
Comment: This variant is not present in population databases (gnomAD no frequency). This variant has not been reported in the literature in individuals affected with USH2A-related conditions. ClinVar contains an entry for this variant (Variation ID: 1443539). Algorithms developed to predict the effect of sequence changes on RNA splicing suggest that this variant may disrupt the consensus splice site. For these reasons, this variant has been classified as Pathogenic. This sequence change creates a premature translational stop signal (p.Ile385Hisfs*5) in the USH2A gene. It is expected to result in an absent or disrupted protein product. Loss-of-function variants in USH2A are known to be pathogenic (PMID: 10729113, 10909849, 20507924, 25649381).

Literature cited by the submitters: PubMed 10729113 (cited by Labcorp Genetics (formerly Invitae), Labcorp); PubMed 10909849 (cited by Labcorp Genetics (formerly Invitae), Labcorp); PubMed 20507924 (cited by Labcorp Genetics (formerly Invitae), Labcorp); PubMed 25649381 (cited by Labcorp Genetics (formerly Invitae), Labcorp).